The following is an entry in ClinVar:

NM_004393.6(DAG1):c.1622G>A (p.Arg541Gln)

Gene: DAG1 (dystroglycan 1; plus strand). Cytogenetic location: 3p21.31.
Variant type: single nucleotide variant.
Coding change: c.1622G>A on transcript NM_004393.6 (MANE Select); coding-DNA position 1622, G replaced by A.
Protein change: p.Arg541Gln; replaces arginine 541 with glutamine.
Molecular consequence: missense variant.
Genome position (GRCh38, 1-based): chr3:49,532,133, G>A. VCF-style: chr3-49532133-G-A. GRCh37 (hg19) VCF-style: chr3-49569566-G-A.
Other names: c.1622G>A, p.Arg541Gln (NM_001165928.4, NM_001177634.3, NM_001177635.3 and 9 more transcripts); short protein forms R541Q.
Identifiers: ClinVar variation 596375 (VCV000596375.10), dbSNP rs1425201998, ClinGen allele CA352795777.
Genomic context (GRCh38, chr3:49,532,133, plus strand): 5'-ACACTTTCTATGACCATGAGGACACCACCACTGACAAGCTGAAGCTGACCCTGAAACTGC[G>A]GGAGCAGCAGCTGGTGGGCGAGAAGTCCTGGGTACAGTTCAACAGCAACAGCCAGCTCAT-3'
Protein context (NP_004384.5, residues 531-551): TDKLKLTLKL[Arg541Gln]EQQLVGEKSW

ClinVar aggregate classification (germline): Uncertain significance. Review status: criteria provided, multiple submitters, no conflicts (2 of 4 stars). 3 submissions from 3 submitters: Uncertain significance (3). Last evaluated 2022-07-04.

Conditions:
Autosomal recessive limb-girdle muscular dystrophy type 2P. Also called: MUSCULAR DYSTROPHY-DYSTROGLYCANOPATHY, LIMB-GIRDLE, DAG1-RELATED; MUSCULAR DYSTROPHY, LIMB-GIRDLE, TYPE 2P; Limb-Girdle Muscular Dystrophy Type 9C. Identifiers: Orphanet 280333, MedGen C4511963, MONDO:0013440, OMIM 613818.
Muscular dystrophy-dystroglycanopathy (congenital with brain and eye anomalies), type A9. Also called: WALKER-WARBURG SYNDROME OR MUSCLE-EYE BRAIN DISEASE, DAG1-RELATED; Muscular dystrophy-dystroglycanopathy (congenital with brain and eye anomalies), type a, 9. Identifiers: Orphanet 370997, Orphanet 899, MedGen C4225291, MONDO:0014683, OMIM 616538.

Allele frequency attached by ClinVar (database versions not stated): TOPMed below 0.00001; gnomAD 0.00001; gnomAD exomes 0.00001.

Submissions (3):

Revvity Omics, Revvity
Classification: Uncertain significance. Last evaluated: 2022-07-04. Review status: criteria provided, single submitter. Criteria: ACMG Guidelines, 2015. Collection method: clinical testing. Allele origin: germline.

Labcorp Genetics (formerly Invitae), Labcorp
Classification: Uncertain significance for Autosomal recessive limb-girdle muscular dystrophy type 2P; Muscular dystrophy-dystroglycanopathy (congenital with brain and eye anomalies), type A9. Last evaluated: 2021-09-01. Review status: criteria provided, single submitter. Criteria: Invitae Variant Classification Sherloc (09022015). Collection method: clinical testing. Allele origin: germline.
Comment: This sequence change replaces arginine with glutamine at codon 541 of the DAG1 protein (p.Arg541Gln). The arginine residue is moderately conserved and there is a small physicochemical difference between arginine and glutamine. This variant is not present in population databases (ExAC no frequency). This variant has not been reported in the literature in individuals affected with DAG1-related conditions. ClinVar contains an entry for this variant (Variation ID: 596375). Algorithms developed to predict the effect of missense changes on protein structure and function are either unavailable or do not agree on the potential impact of this missense change (SIFT: "Deleterious"; PolyPhen-2: "Benign"; Align-GVGD: "Class C0"). Algorithms developed to predict the effect of sequence changes on RNA splicing suggest that this variant may create or strengthen a splice site. In summary, the available evidence is currently insufficient to determine the role of this variant in disease. Therefore, it has been classified as a Variant of Uncertain Significance.

Eurofins Ntd Llc (ga)
Classification: Uncertain significance. Last evaluated: 2018-03-27. Review status: criteria provided, single submitter. Criteria: EGL ClinVar v180209 classification definitions. Collection method: clinical testing. Allele origin: germline. Observed: 1 variant allele, 1 heterozygote.